The following is an entry in ClinVar:

ClinVar aggregate classification (germline): Uncertain significance (1 of 4 stars; one submission).

Conditions:
Hereditary cancer-predisposing syndrome. Also called: Neoplastic Syndromes, Hereditary; Tumor predisposition; Hereditary neoplastic syndrome; Hereditary Cancer Syndrome. Identifiers: Orphanet 140162, MedGen C0027672, MeSH D009386, MONDO:0015356.

Submission:

Ambry Genetics
Classification: Uncertain significance for Hereditary cancer-predisposing syndrome. Last evaluated: 2022-11-16. Review status: criteria provided, single submitter. Criteria: Ambry Variant Classification Scheme 2023. Collection method: clinical testing. Allele origin: germline.
Comment: The c.1218A>G variant (also known as p.R406R), located in coding exon 11 of the TSC2 gene, results from an A to G substitution at nucleotide position 1218. This nucleotide substitution does not change the arginine at codon 406. This nucleotide position is not well conserved in available vertebrate species. In silico splice site analysis predicts that this alteration may weaken the native splice donor site and will result in the creation or strengthening of a novel splice donor site. Since supporting evidence is limited at this time, the clinical significance of this alteration remains unclear.

NM_000548.5(TSC2):c.1218A>G (p.Arg406=)

Gene: TSC2 (TSC complex subunit 2; plus strand). Cytogenetic location: 16p13.3.
Variant type: single nucleotide variant.
Coding change: c.1218A>G on transcript NM_000548.5 (MANE Select); coding-DNA position 1218, A replaced by G.
Protein change: p.Arg406=; no amino-acid change (arginine 406 retained).
Molecular consequence: synonymous variant. On other transcripts: 5 prime UTR variant (10), non-coding transcript variant (5).
Genome position (GRCh38, 1-based): chr16:2,061,969, A>G. VCF-style: chr16-2061969-A-G. GRCh37 (hg19) VCF-style: chr16-2111970-A-G.
Other names: c.1218A>G, p.Arg406= (NM_001077183.3, NM_001114382.3, NM_001363528.2 and 6 more transcripts); c.1107A>G, p.Arg369= (NM_001318827.2, NM_001406670.1, NM_001406678.1); c.1071A>G, p.Arg357= (NM_001318829.2, NM_001406675.1, NM_001406676.1 and 1 more transcripts); c.618A>G, p.Arg206= (NM_001318831.2, NM_001406680.1, NM_001406682.1 and 6 more transcripts); c.1251A>G, p.Arg417= (NM_001318832.2); c.1308A>G, p.Arg436= (NM_001406667.1, NM_001406668.1); c.1206A>G, p.Arg402= (NM_001406671.1, NM_001406673.1); c.1161A>G, p.Arg387= (NM_001406677.1); and 4 more.
Identifiers: ClinVar variation 2449948 (VCV002449948.2), dbSNP rs2548538158, ClinGen allele CA492962005.
Genomic context (GRCh38, chr16:2,061,969, plus strand): 5'-CCTGTTGACCACGGTGGAGGAGCTGTGTGACCAGAACGAGTTCCACGGGTCTCAGGAGAG[A>G]TACTTTGAACTGGTGGAGAGATGTGCGGACCAGAGGCCTGTGAGACCCCCTCCTGGGTGG-3'
Protein context (NP_000539.2, residues 396-416): DQNEFHGSQE[Arg406=]YFELVERCAD